The following is an entry in ClinVar:

ClinVar aggregate classification (germline): Uncertain significance (1 of 4 stars; one submission).

Submission:

Labcorp Genetics (formerly Invitae), Labcorp
Classification: Uncertain significance. Last evaluated: 2024-08-18. Review status: criteria provided, single submitter. Criteria: Invitae Variant Classification Sherloc (09022015). Collection method: clinical testing. Allele origin: germline.
Comment: This sequence change replaces leucine, which is neutral and non-polar, with methionine, which is neutral and non-polar, at codon 61 of the NOG protein (p.Leu61Met). This variant is not present in population databases (gnomAD no frequency). This variant has not been reported in the literature in individuals affected with NOG-related conditions. An algorithm developed to predict the effect of missense changes on protein structure and function (PolyPhen-2) suggests that this variant is likely to be disruptive. In summary, the available evidence is currently insufficient to determine the role of this variant in disease. Therefore, it has been classified as a Variant of Uncertain Significance.

NM_005450.6(NOG):c.181C>A (p.Leu61Met)

Gene: NOG (noggin; plus strand). Cytogenetic location: 17q22.
Variant type: single nucleotide variant.
Coding change: c.181C>A on transcript NM_005450.6 (MANE Select); coding-DNA position 181, C replaced by A.
Protein change: p.Leu61Met; replaces leucine 61 with methionine.
Molecular consequence: missense variant.
Genome position (GRCh38, 1-based): chr17:56,594,404, C>A. VCF-style: chr17-56594404-C-A. GRCh37 (hg19) VCF-style: chr17-54671765-C-A.
Other names: short protein forms L61M.
Identifiers: ClinVar variation 3641371 (VCV003641371.2).